The following is an entry in ClinVar:

ClinVar aggregate classification (germline): Uncertain significance. Review status: criteria provided, multiple submitters, no conflicts (2 of 4 stars). 2 submissions from 2 submitters: Uncertain significance (2). Last evaluated 2022-08-02.

Conditions:
Hereditary cancer-predisposing syndrome. Also called: Tumor predisposition; Hereditary neoplastic syndrome; Neoplastic Syndromes, Hereditary; Hereditary Cancer Syndrome. Identifiers: Orphanet 140162, MedGen C0027672, MeSH D009386, MONDO:0015356.
Neuroblastoma, susceptibility to, 3. Also called: ALK-Related Neuroblastic Tumor Susceptibility. Identifiers: Orphanet 635, MedGen C2751681, MONDO:0013083, OMIM 613014.

gnomAD v4.1: 2 of 1,614,102 alleles (0.00012%); highest among the groups gnomAD compares: Non-Finnish European, 0.00017%; no homozygotes.

Submissions (2):

Ambry Genetics
Classification: Uncertain significance for Hereditary cancer-predisposing syndrome. Last evaluated: 2022-08-02. Review status: criteria provided, single submitter. Criteria: Ambry Variant Classification Scheme 2023. Collection method: clinical testing. Allele origin: germline.
Comment: The p.S342N variant (also known as c.1025G>A), located in coding exon 4 of the ALK gene, results from a G to A substitution at nucleotide position 1025. The serine at codon 342 is replaced by asparagine, an amino acid with highly similar properties. This amino acid position is conserved. In addition, this alteration is predicted to be tolerated by in silico analysis. Since supporting evidence is limited at this time, the clinical significance of this alteration remains unclear.

Labcorp Genetics (formerly Invitae), Labcorp
Classification: Uncertain significance for Neuroblastoma, susceptibility to, 3. Last evaluated: 2022-06-13. Review status: criteria provided, single submitter. Criteria: Invitae Variant Classification Sherloc (09022015). Collection method: clinical testing. Allele origin: germline.
Comment: This sequence change replaces serine, which is neutral and polar, with asparagine, which is neutral and polar, at codon 342 of the ALK protein (p.Ser342Asn). This variant is not present in population databases (gnomAD no frequency). This variant has not been reported in the literature in individuals affected with ALK-related conditions. Algorithms developed to predict the effect of missense changes on protein structure and function are either unavailable or do not agree on the potential impact of this missense change (SIFT: "Deleterious"; PolyPhen-2: "Probably Damaging"; Align-GVGD: "Class C0"). In summary, the available evidence is currently insufficient to determine the role of this variant in disease. Therefore, it has been classified as a Variant of Uncertain Significance.

NM_004304.5(ALK):c.1025G>A (p.Ser342Asn)

Gene: ALK (ALK receptor tyrosine kinase; minus strand). Cytogenetic location: 2p23.2.
Variant type: single nucleotide variant.
Coding change: c.1025G>A on transcript NM_004304.5 (MANE Select); coding-DNA position 1025, G replaced by A.
Protein change: p.Ser342Asn; replaces serine 342 with asparagine.
Molecular consequence: missense variant.
Genome position (GRCh38, 1-based): chr2:29,532,044, C>T on the plus strand (G>A on the coding strand, the complement: ALK is on the minus strand). VCF-style: chr2-29532044-C-T. GRCh37 (hg19) VCF-style: chr2-29754910-C-T.
Other names: short protein forms S342N.
Identifiers: ClinVar variation 1383403 (VCV001383403.8), dbSNP rs2148158708, ClinGen allele CA346587433.